The following is an entry in ClinVar:

ClinVar aggregate classification (germline): Conflicting classifications of pathogenicity. Review status: criteria provided, conflicting classifications (1 of 4 stars). 2 submissions from 2 submitters: Uncertain significance (1); Likely benign (1). Last evaluated 2022-05-05.

Conditions:
Inborn genetic diseases. Identifiers: MedGen C0950123, MeSH D030342.

Allele frequency attached by ClinVar (database versions not stated): TOPMed 0.00005.
gnomAD v4.1: 118 of 1,613,756 alleles (0.0073%); highest among the groups gnomAD compares: Non-Finnish European, 0.0094%; no homozygotes.

Submissions (2):

GeneDx
Classification: Likely benign. Last evaluated: 2022-05-05. Review status: criteria provided, single submitter. Criteria: GeneDx Variant Classification Process June 2021. Collection method: clinical testing. Allele origin: germline. Affected: yes.
Comment: In silico analysis supports that this missense variant does not alter protein structure/function; Has not been previously published as pathogenic or benign to our knowledge

Ambry Genetics
Classification: Uncertain significance for Inborn genetic diseases. Last evaluated: 2021-09-01. Review status: criteria provided, single submitter. Criteria: Ambry Variant Classification Scheme 2023. Collection method: clinical testing. Allele origin: germline.

NM_015001.3(SPEN):c.5209A>C (p.Thr1737Pro)

Gene: SPEN (spen family transcriptional repressor; plus strand). Cytogenetic location: 1p36.13.
Variant type: single nucleotide variant.
Coding change: c.5209A>C on transcript NM_015001.3 (MANE Select); coding-DNA position 5209, A replaced by C.
Protein change: p.Thr1737Pro; replaces threonine 1737 with proline.
Molecular consequence: missense variant.
Genome position (GRCh38, 1-based): chr1:15,931,449, A>C. VCF-style: chr1-15931449-A-C. GRCh37 (hg19) VCF-style: chr1-16257944-A-C.
Other names: short protein forms T1737P.
Identifiers: ClinVar variation 1683932 (VCV001683932.5), dbSNP rs745655301, ClinGen allele CA619685.